The following is an entry in ClinVar:

ClinVar aggregate classification (germline): Uncertain significance (1 of 4 stars; one submission).

Conditions:
Inborn genetic diseases. Identifiers: MedGen C0950123, MeSH D030342.

Submission:

Ambry Genetics
Classification: Uncertain significance for Inborn genetic diseases. Last evaluated: 2025-04-03. Review status: criteria provided, single submitter. Criteria: Ambry Variant Classification Scheme 2023. Collection method: clinical testing. Allele origin: germline.
Comment: The p.H33Y variant (also known as c.97C>T), located in coding exon 1 of the SH2B3 gene, results from a C to T substitution at nucleotide position 97. The histidine at codon 33 is replaced by tyrosine, an amino acid with similar properties. This amino acid position is conserved. In addition, the in silico prediction for this alteration is inconclusive. Based on the available evidence, the clinical significance of this variant remains unclear.

NM_005475.3(SH2B3):c.97C>T (p.His33Tyr)

Gene: SH2B3 (SH2B adaptor protein 3; plus strand). Cytogenetic location: 12q24.12.
Variant type: single nucleotide variant.
Coding change: c.97C>T on transcript NM_005475.3 (MANE Select); coding-DNA position 97, C replaced by T.
Protein change: p.His33Tyr; replaces histidine 33 with tyrosine.
Molecular consequence: missense variant.
Genome position (GRCh38, 1-based): chr12:111,418,242, C>T. VCF-style: chr12-111418242-C-T. GRCh37 (hg19) VCF-style: chr12-111856046-C-T.
Other names: short protein forms H33Y.
Identifiers: ClinVar variation 3953416 (VCV003953416.1).